The following is an entry in ClinVar:

NM_000548.5(TSC2):c.5118C>T (p.Arg1706=)

Gene: TSC2 (TSC complex subunit 2; plus strand). Cytogenetic location: 16p13.3.
Variant type: single nucleotide variant.
Coding change: c.5118C>T on transcript NM_000548.5 (MANE Select); coding-DNA position 5118, C replaced by T.
Protein change: p.Arg1706=; no amino-acid change (arginine 1706 retained).
Molecular consequence: synonymous variant.
Genome position (GRCh38, 1-based): chr16:2,088,097, C>T. VCF-style: chr16-2088097-C-T. GRCh37 (hg19) VCF-style: chr16-2138098-C-T.
Other names: c.4917C>T, p.Arg1639= (NM_001077183.3); c.5049C>T, p.Arg1683= (NM_001114382.3); c.4809C>T, p.Arg1603= (NM_001318827.2); c.4773C>T, p.Arg1591= (NM_001318829.2); c.4386C>T, p.Arg1462= (NM_001318831.2); c.4950C>T, p.Arg1650= (NM_001318832.2); c.4920C>T, p.Arg1640= (NM_001363528.2); c.4986C>T, p.Arg1662= (NM_001370404.1); and 1 more.
Identifiers: ClinVar variation 65106 (VCV000065106.14), dbSNP rs397515079, ClinGen allele CA021772.

ClinVar aggregate classification (germline): Benign/Likely benign. Review status: criteria provided, multiple submitters, no conflicts (2 of 4 stars). 5 submissions from 5 submitters: Benign (1); Likely benign (3). 1 of the submissions does not count toward it. Last evaluated 2025-12-02.

Conditions:
Hereditary cancer-predisposing syndrome. Also called: Tumor predisposition; Hereditary Cancer Syndrome; Neoplastic Syndromes, Hereditary; Hereditary neoplastic syndrome. Identifiers: Orphanet 140162, MedGen C0027672, MeSH D009386, MONDO:0015356.
Tuberous sclerosis 2 (TSC2). Identifiers: Orphanet 805, MedGen C1860707, MONDO:0013199, OMIM 613254.
Tuberous sclerosis syndrome (TSC). Also called: Tuberous Sclerosis Complex; Tuberous sclerosis. Identifiers: Orphanet 805, MedGen C0041341, MONDO:0001734.

Allele frequency attached by ClinVar (database versions not stated): gnomAD exomes 0.00001; TOPMed 0.00002.
gnomAD v4.1: 9 of 1,612,932 alleles (0.00056%); highest among the groups gnomAD compares: Non-Finnish European, 0.00068%; no homozygotes.

Submissions (5):

Labcorp Genetics (formerly Invitae), Labcorp
Classification: Likely benign for Tuberous sclerosis 2. Last evaluated: 2025-12-02. Review status: criteria provided, single submitter. Criteria: Invitae Variant Classification Sherloc (09022015). Collection method: clinical testing. Allele origin: germline.

Myriad Genetics, Inc.
Classification: Benign for Tuberous sclerosis 2. Last evaluated: 2025-06-06. Review status: criteria provided, single submitter. Criteria: Myriad Autosomal Dominant, Autosomal Recessive and X-Linked Classification Criteria (2023). Collection method: clinical testing. Allele origin: unknown.
Comment: This variant is considered benign. This variant is a silent/synonymous amino acid change and it is not expected to impact splicing.

Ambry Genetics
Classification: Likely benign for Hereditary cancer-predisposing syndrome. Last evaluated: 2025-01-15. Review status: criteria provided, single submitter. Criteria: Ambry Variant Classification Scheme 2023. Collection method: clinical testing. Allele origin: germline.

All of Us Research Program, National Institutes of Health
Classification: Likely benign for Tuberous sclerosis syndrome. Last evaluated: 2024-08-13. Review status: criteria provided, single submitter. Criteria: ACMG Guidelines, 2015. Collection method: clinical testing. Allele origin: germline. Inheritance: Autosomal dominant inheritance. Observed: 3 variant alleles, 3 heterozygotes.
Comment: This study involves interpretation of variants in research participants for the purpose of population health screening. Participant phenotype was not available at the time of variant classification. Additional details can be found in publication PMID: 35346344, PMCID: PMC8962531

Tuberous sclerosis database (TSC2)
No classification provided. Condition: TSC. Review status: no classification provided. Criteria: Tuberous Sclerosis Database Assertion Criteria 2015. Collection method: curation. Allele origin: germline. Affected: yes. Not counted in ClinVar's aggregate classification.